The following is an entry in ClinVar:

NM_001854.4(COL11A1):c.44G>T (p.Trp15Leu)

Gene: COL11A1 (collagen type XI alpha 1 chain; minus strand). Cytogenetic location: 1p21.1.
Variant type: single nucleotide variant.
Coding change: c.44G>T on transcript NM_001854.4 (MANE Select); coding-DNA position 44, G replaced by T.
Protein change: p.Trp15Leu; replaces tryptophan 15 with leucine.
Molecular consequence: missense variant. On other transcripts: non-coding transcript variant (1).
Genome position (GRCh38, 1-based): chr1:103,108,135, C>A on the plus strand (G>T on the coding strand, the complement: COL11A1 is on the minus strand). VCF-style: chr1-103108135-C-A. GRCh37 (hg19) VCF-style: chr1-103573691-C-A.
Other names: c.44G>T, p.Trp15Leu (NM_001190709.2, NM_080629.3, NM_080630.4); short protein forms W15L.
Identifiers: ClinVar variation 4799921 (VCV004799921.1).

ClinVar aggregate classification (germline): Uncertain significance (1 of 4 stars; one submission).

Submission:

Labcorp Genetics (formerly Invitae), Labcorp
Classification: Uncertain significance. Last evaluated: 2025-05-13. Review status: criteria provided, single submitter. Criteria: Invitae Variant Classification Sherloc (09022015). Collection method: clinical testing. Allele origin: germline.
Comment: This sequence change replaces tryptophan, which is neutral and slightly polar, with leucine, which is neutral and non-polar, at codon 15 of the COL11A1 protein (p.Trp15Leu). This variant is not present in population databases (gnomAD no frequency). This variant has not been reported in the literature in individuals affected with COL11A1-related conditions. Invitae Evidence Modeling of protein sequence and biophysical properties (such as structural, functional, and spatial information, amino acid conservation, physicochemical variation, residue mobility, and thermodynamic stability) indicates that this missense variant is not expected to disrupt COL11A1 protein function with a negative predictive value of 95%. In summary, the available evidence is currently insufficient to determine the role of this variant in disease. Therefore, it has been classified as a Variant of Uncertain Significance.